The following is an entry in ClinVar:

ClinVar aggregate classification (germline): Uncertain significance. Review status: criteria provided, multiple submitters, no conflicts (2 of 4 stars). 2 submissions from 2 submitters: Uncertain significance (2). Last evaluated 2024-08-07.

Conditions:
Inborn genetic diseases. Identifiers: MedGen C0950123, MeSH D030342.
Developmental and epileptic encephalopathy, 42 (DEE42A). Also called: DEVELOPMENTAL AND EPILEPTIC ENCEPHALOPATHY 42A; EPILEPTIC ENCEPHALOPATHY, EARLY INFANTILE, 42A; Epileptic encephalopathy, early infantile, 42. Identifiers: MedGen C4310716, MONDO:0014917, OMIM 617106.
Episodic ataxia type 2 (EA2). Also called: ACETAZOLAMIDE-RESPONSIVE HEREDITARY PAROXYSMAL CEREBELLAR ATAXIA; EPISODIC ATAXIA, NYSTAGMUS-ASSOCIATED; ATAXIA, EPISODIC, WITH NYSTAGMUS; ATAXIA, FAMILIAL PAROXYSMAL; CEREBELLAR ATAXIA, PAROXYSMAL, ACETAZOLAMIDE-RESPONSIVE; CEREBELLOPATHY, HEREDITARY PAROXYSMAL. Identifiers: Orphanet 97, MedGen C1720416, MONDO:0007163, OMIM 108500.

Allele frequency attached by ClinVar (database versions not stated): gnomAD 0.00001; gnomAD exomes 0.00002 and 0.00001; ExAC 0.00001.
gnomAD v4.1: 10 of 1,612,382 alleles (0.00062%); highest among the groups gnomAD compares: East Asian, 0.0022%; no homozygotes.

Submissions (2):

Ambry Genetics
Classification: Uncertain significance for Inborn genetic diseases. Last evaluated: 2024-08-07. Review status: criteria provided, single submitter. Criteria: Ambry Variant Classification Scheme 2023. Collection method: clinical testing. Allele origin: germline.

Labcorp Genetics (formerly Invitae), Labcorp
Classification: Uncertain significance for Developmental and epileptic encephalopathy, 42; Episodic ataxia type 2. Last evaluated: 2021-03-15. Review status: criteria provided, single submitter. Criteria: Invitae Variant Classification Sherloc (09022015). Collection method: clinical testing. Allele origin: germline.
Comment: In summary, the available evidence is currently insufficient to determine the role of this variant in disease. Therefore, it has been classified as a Variant of Uncertain Significance. Advanced modeling of protein sequence and biophysical properties (such as structural, functional, and spatial information, amino acid conservation, physicochemical variation, residue mobility, and thermodynamic stability) performed at Invitae indicates that this missense variant is not expected to disrupt CACNA1A protein function. This variant has not been reported in the literature in individuals with CACNA1A-related conditions. This variant is present in population databases (rs748279762, ExAC 0.002%). This sequence change replaces threonine with methionine at codon 1949 of the CACNA1A protein (p.Thr1949Met). The threonine residue is moderately conserved and there is a moderate physicochemical difference between threonine and methionine.

NM_001127222.2(CACNA1A):c.5843C>T (p.Thr1948Met)

Gene: CACNA1A (calcium voltage-gated channel subunit alpha1 A; minus strand). Cytogenetic location: 19p13.13.
Variant type: single nucleotide variant.
Coding change: c.5843C>T on transcript NM_001127222.2 (MANE Select); coding-DNA position 5843, C replaced by T.
Protein change: p.Thr1948Met; replaces threonine 1948 with methionine.
Molecular consequence: missense variant.
Genome position (GRCh38, 1-based): chr19:13,214,330, G>A on the plus strand (C>T on the coding strand, the complement: CACNA1A is on the minus strand). VCF-style: chr19-13214330-G-A. GRCh37 (hg19) VCF-style: chr19-13325144-G-A.
Other names: c.5861C>T, p.Thr1954Met (NM_000068.4, NM_023035.3); c.5846C>T, p.Thr1949Met (NM_001127221.2); c.5852C>T, p.Thr1951Met (NM_001174080.2); c.5846C>T (NM_001127221.1); short protein forms T1948M, T1949M, T1951M, T1954M.
Identifiers: ClinVar variation 1018637 (VCV001018637.10), dbSNP rs748279762, ClinGen allele CA9239561.